The following is an entry in ClinVar:

ClinVar aggregate classification (germline): Uncertain significance (1 of 4 stars; one submission).

Submission:

Dasa
Classification: Uncertain significance. Last evaluated: 2025-10-13. Review status: criteria provided, single submitter. Criteria: DASA Assertion Criteria. Collection method: clinical testing. Allele origin: germline.
Comment: NM_000191.3(HMGCL):c.212T>C (p.Ile71Thr) is a missense variant that results in the substitution of isoleucine with threonine. This variant is rare in population databases. Computational prediction algorithms are consistent with a deleterious effect. The currently available literature and clinical evidence are not sufficient to establish a definitive association between this variant and the reported condition. Therefore, this variant is classified as a variant of uncertain significance.

NM_000191.3(HMGCL):c.212T>C (p.Ile71Thr)

Gene: HMGCL (3-hydroxy-3-methylglutaryl-CoA lyase; minus strand). Cytogenetic location: 1p36.11.
Variant type: single nucleotide variant.
Coding change: c.212T>C on transcript NM_000191.3 (MANE Select); coding-DNA position 212, T replaced by C.
Protein change: p.Ile71Thr; replaces isoleucine 71 with threonine.
Molecular consequence: missense variant.
Genome position (GRCh38, 1-based): chr1:23,817,516, A>G on the plus strand (T>C on the coding strand, the complement: HMGCL is on the minus strand). VCF-style: chr1-23817516-A-G. GRCh37 (hg19) VCF-style: chr1-24144006-A-G.
Other names: c.212T>C, p.Ile71Thr (NM_001166059.2); short protein forms I71T.
Identifiers: ClinVar variation 4885184 (VCV004885184.2).